The following is an entry in ClinVar:

NM_000430.4(PAFAH1B1):c.895T>A (p.Ser299Thr)

Gene: PAFAH1B1 (platelet activating factor acetylhydrolase 1b regulatory subunit 1; plus strand). Cytogenetic location: 17p13.3.
Variant type: single nucleotide variant.
Coding change: c.895T>A on transcript NM_000430.4 (MANE Select); coding-DNA position 895, T replaced by A.
Protein change: p.Ser299Thr; replaces serine 299 with threonine.
Molecular consequence: missense variant.
Genome position (GRCh38, 1-based): chr17:2,674,283, T>A. VCF-style: chr17-2674283-T-A. GRCh37 (hg19) VCF-style: chr17-2577577-T-A.
Other names: short protein forms S299T.
Identifiers: ClinVar variation 1992595 (VCV001992595.4), dbSNP rs2544107085, ClinGen allele CA397642094.

ClinVar aggregate classification (germline): Uncertain significance (1 of 4 stars; one submission).

Submission:

Labcorp Genetics (formerly Invitae), Labcorp
Classification: Uncertain significance. Last evaluated: 2024-01-19. Review status: criteria provided, single submitter. Criteria: Invitae Variant Classification Sherloc (09022015). Collection method: clinical testing. Allele origin: germline.
Comment: This sequence change replaces serine, which is neutral and polar, with threonine, which is neutral and polar, at codon 299 of the PAFAH1B1 protein (p.Ser299Thr). This variant is not present in population databases (gnomAD no frequency). This variant has not been reported in the literature in individuals affected with PAFAH1B1-related conditions. ClinVar contains an entry for this variant (Variation ID: 1992595). An algorithm developed to predict the effect of missense changes on protein structure and function (PolyPhen-2) suggests that this variant is likely to be tolerated. In summary, the available evidence is currently insufficient to determine the role of this variant in disease. Therefore, it has been classified as a Variant of Uncertain Significance.